The following is an entry in ClinVar:

ClinVar aggregate classification (germline): Uncertain significance (1 of 4 stars; one submission).

Conditions:
Inborn genetic diseases. Identifiers: MedGen C0950123, MeSH D030342.

Submission:

Ambry Genetics
Classification: Uncertain significance for Inborn genetic diseases. Last evaluated: 2025-03-03. Review status: criteria provided, single submitter. Criteria: Ambry Variant Classification Scheme 2023. Collection method: clinical testing. Allele origin: germline.
Comment: The p.A148D variant (also known as c.443C>A), located in coding exon 4 of the FANCG gene, results from a C to A substitution at nucleotide position 443. The alanine at codon 148 is replaced by aspartic acid, an amino acid with dissimilar properties. This amino acid position is conserved. In addition, this alteration is predicted to be deleterious by in silico analysis. Based on the available evidence, the clinical significance of this variant remains unclear.

NM_004629.2(FANCG):c.443C>A (p.Ala148Asp)

Gene: FANCG (FA complementation group G; minus strand). Cytogenetic location: 9p13.3.
Variant type: single nucleotide variant.
Coding change: c.443C>A on transcript NM_004629.2 (MANE Select); coding-DNA position 443, C replaced by A.
Protein change: p.Ala148Asp; replaces alanine 148 with aspartic acid.
Molecular consequence: missense variant.
Genome position (GRCh38, 1-based): chr9:35,078,208, G>T on the plus strand (C>A on the coding strand, the complement: FANCG is on the minus strand). VCF-style: chr9-35078208-G-T. GRCh37 (hg19) VCF-style: chr9-35078205-G-T.
Other names: short protein forms A148D.
Identifiers: ClinVar variation 3848458 (VCV003848458.1).